The following is an entry in ClinVar:

ClinVar aggregate classification (germline): Conflicting classifications of pathogenicity. Review status: criteria provided, conflicting classifications (1 of 4 stars). 2 submissions from 2 submitters: Uncertain significance (1); Likely benign (1). Last evaluated 2023-12-04.

Conditions:
Hereditary cancer-predisposing syndrome. Also called: Neoplastic Syndromes, Hereditary; Tumor predisposition; Hereditary neoplastic syndrome; Hereditary Cancer Syndrome. Identifiers: Orphanet 140162, MedGen C0027672, MeSH D009386, MONDO:0015356.

Submissions (2):

Color Diagnostics, LLC DBA Color Health
Classification: Uncertain significance for Hereditary cancer-predisposing syndrome. Last evaluated: 2023-12-04. Review status: criteria provided, single submitter. Criteria: ACMG Guidelines, 2015. Collection method: clinical testing. Allele origin: germline.
Comment: This missense variant replaces threonine with serine at codon 333 of the BRCA1 protein. Computational prediction is inconclusive regarding the impact of this variant on protein structure and function (internally defined REVEL score threshold 0.5 < inconclusive < 0.7, PMID: 27666373). To our knowledge, functional studies have not been reported for this variant. This variant has not been reported in individuals affected with BRCA1-related disorders in the literature. This variant has not been identified in the general population by the Genome Aggregation Database (gnomAD). The available evidence is insufficient to determine the role of this variant in disease conclusively. Therefore, this variant is classified as a Variant of Uncertain Significance.

University of Washington Department of Laboratory Medicine, University of Washington
Classification: Likely benign for Hereditary cancer-predisposing syndrome. Last evaluated: 2023-03-23. Review status: criteria provided, single submitter. Criteria: Dines et al. (Genet Med. 2020). Collection method: curation. Allele origin: germline.
Comment: Missense variant in a coldspot region where missense variants are very unlikely to be pathogenic (PMID:31911673).

BRCA1 coldspot (exon 11 using historical exon numbering). Reclassification based on statistical prior probability

NM_007294.4(BRCA1):c.998C>G (p.Thr333Ser)

Gene: BRCA1 (BRCA1 DNA repair associated; minus strand). Cytogenetic location: 17q21.31.
Variant type: single nucleotide variant.
Coding change: c.998C>G on transcript NM_007294.4 (MANE Select); coding-DNA position 998, C replaced by G.
Protein change: p.Thr333Ser; replaces threonine 333 with serine.
Molecular consequence: missense variant. On other transcripts: intron variant (137).
Genome position (GRCh38, 1-based): chr17:43,094,533, G>C on the plus strand (C>G on the coding strand, the complement: BRCA1 is on the minus strand). VCF-style: chr17-43094533-G-C. GRCh37 (hg19) VCF-style: chr17-41246550-G-C.
Other names: c.665C>G, p.Thr222Ser (NM_001407951.1, NM_001407952.1, NM_001407953.1 and 6 more transcripts); c.662C>G, p.Thr221Ser (NM_001407954.1, NM_001407955.1, NM_001407956.1 and 1 more transcripts); c.617C>G, p.Thr206Ser (NM_001407959.1, NM_001407960.1, NM_001407963.1); c.614C>G, p.Thr205Ser (NM_001407962.1); c.854C>G, p.Thr285Ser (NM_001407964.1, NM_001407740.1, NM_001407741.1 and 20 more transcripts); c.494C>G, p.Thr165Ser (NM_001407965.1); c.110C>G, p.Thr37Ser (NM_001407966.1, NM_001407967.1); c.857C>G, p.Thr286Ser (NM_007297.4, NM_001407692.1, NM_001407694.1 and 29 more transcripts); and 40 more; short protein forms T333S, T286S, T165S, T245S, T265S, T285S, T307S, T332S.
Identifiers: ClinVar variation 629227 (VCV000629227.8), dbSNP rs431825420, ClinGen allele CA10600063.